The following is an entry in ClinVar:

NM_032119.4(ADGRV1):c.12632G>T (p.Arg4211Leu)

Gene: ADGRV1 (adhesion G protein-coupled receptor V1; plus strand). Cytogenetic location: 5q14.3.
Variant type: single nucleotide variant.
Coding change: c.12632G>T on transcript NM_032119.4 (MANE Select); coding-DNA position 12632, G replaced by T.
Protein change: p.Arg4211Leu; replaces arginine 4211 with leucine.
Molecular consequence: missense variant. On other transcripts: non-coding transcript variant (1).
Genome position (GRCh38, 1-based): chr5:90,778,009, G>T. VCF-style: chr5-90778009-G-T. GRCh37 (hg19) VCF-style: chr5-90073826-G-T.
Other names: short protein forms R4211L.
Identifiers: ClinVar variation 1955045 (VCV001955045.8), dbSNP rs768374513, ClinGen allele CA3341298.

ClinVar aggregate classification (germline): Uncertain significance. Review status: criteria provided, multiple submitters, no conflicts (2 of 4 stars). 2 submissions from 2 submitters: Uncertain significance (2). Last evaluated 2026-02-01.

gnomAD v4.1: 16 of 1,589,708 alleles (0.001%); highest among the groups gnomAD compares: Non-Finnish European, 0.0012%; no homozygotes.

Submissions (2):

CeGaT Center for Human Genetics Tuebingen
Classification: Uncertain significance. Last evaluated: 2026-02-01. Review status: criteria provided, single submitter. Criteria: CeGaT Center For Human Genetics Tuebingen Variant Classification Criteria Version 2. Collection method: clinical testing. Allele origin: germline. Affected: yes. Observed: 1 variant allele.
Comment: ADGRV1: PM2, BP4

Labcorp Genetics (formerly Invitae), Labcorp
Classification: Uncertain significance. Last evaluated: 2024-11-05. Review status: criteria provided, single submitter. Criteria: Invitae Variant Classification Sherloc (09022015). Collection method: clinical testing. Allele origin: germline.
Comment: This sequence change replaces arginine, which is basic and polar, with leucine, which is neutral and non-polar, at codon 4211 of the ADGRV1 protein (p.Arg4211Leu). This variant is present in population databases (rs768374513, gnomAD 0.003%). This variant has not been reported in the literature in individuals affected with ADGRV1-related conditions. ClinVar contains an entry for this variant (Variation ID: 1955045). Invitae Evidence Modeling of protein sequence and biophysical properties (such as structural, functional, and spatial information, amino acid conservation, physicochemical variation, residue mobility, and thermodynamic stability) indicates that this missense variant is not expected to disrupt ADGRV1 protein function with a negative predictive value of 95%. In summary, the available evidence is currently insufficient to determine the role of this variant in disease. Therefore, it has been classified as a Variant of Uncertain Significance.